The following is an entry in ClinVar:

ClinVar aggregate classification (germline): Likely pathogenic (1 of 4 stars; one submission).

Conditions:
LZTFL1-related disorder. Also called: LZTFL1-related condition.

Submission:

PreventionGenetics, part of Exact Sciences
Classification: Likely pathogenic for LZTFL1-related condition. Last evaluated: 2025-02-05. Review status: criteria provided, single submitter. Criteria: ACMG Guidelines, 2015. Collection method: clinical testing. Allele origin: germline.
Comment: The LZTFL1 c.383delA variant is predicted to result in a frameshift and premature protein termination (p.Lys128Serfs*4). To our knowledge, this variant has not been reported in the literature or in a large population database (gnomAD), indicating this variant is rare. Frameshift variants in LZTFL1 are expected to be pathogenic. This variant is interpreted as likely pathogenic.

NM_020347.4(LZTFL1):c.383del (p.Lys128fs)

Gene: LZTFL1 (leucine zipper transcription factor like 1; minus strand). Cytogenetic location: 3p21.31.
Variant type: Deletion.
Coding change: c.383del on transcript NM_020347.4 (MANE Select); coding-DNA position 383, one base deleted (A; older notation c.383delA).
Protein change: p.Lys128fs; shifts the reading frame from lysine 128.
Molecular consequence: frameshift variant. On other transcripts: non-coding transcript variant (2).
Genome position (GRCh38, 1-based): chr3:45,834,239, T deleted on the plus strand (A on the coding strand, the reverse complement: LZTFL1 is on the minus strand); the first of 5 consecutive T bases (chr3:45,834,239-45,834,243); deleting any one gives the same sequence. VCF-style (leftmost placement, unchanged base first): chr3-45834238-CT-C. GRCh37 (hg19) VCF-style: chr3-45875730-CT-C.
Other names: c.332del, p.Lys111fs (NM_001276378.2, NM_001386451.1, NM_001405922.1 and 4 more transcripts); c.371del, p.Lys124fs (NM_001276379.2, NM_001405921.1); c.383del, p.Lys128fs (NM_001386452.1, NM_001405924.1); c.407del, p.Lys136fs (NM_001405920.1, NM_001405925.1); short protein forms K124fs, K128fs, K136fs, K111fs.
Identifiers: ClinVar variation 4983395 (VCV004983395.1).